The following is an entry in ClinVar:

ClinVar aggregate classification (germline): Pathogenic (1 of 4 stars; one submission).

Conditions:
ZTTK syndrome (ZTTKS). Also called: ZTTK MULTIPLE CONGENITAL ANOMALIES-MENTAL RETARDATION SYNDROME; Zhu-Tokita-Takenouchi-Kim Syndrome. Identifiers: Orphanet 500150, MedGen C4310696, MONDO:0014936, OMIM 617140.

Submission:

Institute of Human Genetics, University of Leipzig Medical Center
Classification: Pathogenic for ZTTK syndrome. Last evaluated: 2020-11-17. Review status: criteria provided, single submitter. Criteria: ACMG Guidelines, 2015. Collection method: clinical testing. Allele origin: de novo. Affected: yes.
Comment: This variant was identified as de novo (maternity and paternity confirmed).

NM_138927.4(SON):c.3617_3618del (p.Glu1206fs)

Gene: SON (SON DNA and RNA binding protein; plus strand). Cytogenetic location: 21q22.11.
Variant type: Microsatellite.
Coding change: c.3617_3618del on transcript NM_138927.4 (MANE Select); coding-DNA positions 3617 to 3618, 2 bases deleted (AG; older notation c.3617_3618delAG).
Protein change: p.Glu1206fs; shifts the reading frame from glutamic acid 1206.
Molecular consequence: frameshift variant. On other transcripts: non-coding transcript variant (1), intron variant (1).
Genome position (GRCh38, 1-based): chr21:33,552,848-33,552,849, AG deleted; deleting any 2 consecutive bases within chr21:33,552,846-33,552,849 gives the same sequence; the c. name uses the placement nearest the transcript's 3' end. VCF-style (leftmost placement, unchanged base first): chr21-33552845-AAG-A. GRCh37 (hg19) VCF-style: chr21-34925151-AAG-A.
Other names: c.3617_3618del, p.Glu1206fs (NM_001291411.2, NM_032195.3); c.245-4308_245-4307del (NM_001291412.3); short protein forms E1206fs.
Identifiers: ClinVar variation 1285461 (VCV001285461.1), dbSNP rs2145829543, ClinGen allele CA2580616376.